The following is an entry in ClinVar:

ClinVar aggregate classification (germline): Likely benign (1 of 4 stars; one submission).

Allele frequency attached by ClinVar (database versions not stated): TOPMed 0.00002 and 0.00003; gnomAD 0.00004 and 0.00003.

Submission:

GeneDx
Classification: Likely benign. Last evaluated: 2017-05-01. Review status: criteria provided, single submitter. Criteria: GeneDx Variant Classification (06012015). Collection method: clinical testing. Allele origin: germline. Affected: yes.
Comment: This variant is considered likely benign or benign based on one or more of the following criteria: it is a conservative change, it occurs at a poorly conserved position in the protein, it is predicted to be benign by multiple in silico algorithms, and/or has population frequency not consistent with disease.

NM_002437.5(MPV17):c.-12C>T

Gene: MPV17 (mitochondrial inner membrane protein MPV17; minus strand). Cytogenetic location: 2p23.3.
Variant type: single nucleotide variant.
Coding change: c.-12C>T on transcript NM_002437.5 (MANE Select); 12 bases upstream of the start codon, C replaced by T.
Molecular consequence: 5 prime UTR variant.
Genome position (GRCh38, 1-based): chr2:27,323,058, G>A on the plus strand (C>T on the coding strand, the complement: MPV17 is on the minus strand). VCF-style: chr2-27323058-G-A. GRCh37 (hg19) VCF-style: chr2-27545925-G-A.
Identifiers: ClinVar variation 509069 (VCV000509069.1), dbSNP rs1481544815, ClinGen allele CA531441149.
Genomic context (GRCh38, chr2:27,323,058, plus strand): 5'-CACTCATGGCTTGCGACGCTTTAAGCCAGAGACCGCAGATCACCCGCCACTCACCTGAGC[G>A]CCGAGCCTCCCTCCCACGTGACAGGCTGGCCTAGGAACTTCCGCCACAAGTCCCGCCCCT-3'